The following is an entry in ClinVar:

NM_003482.4(KMT2D):c.15230T>C (p.Leu5077Pro)

Gene: KMT2D (lysine methyltransferase 2D; minus strand). Cytogenetic location: 12q13.12.
Variant type: single nucleotide variant.
Coding change: c.15230T>C on transcript NM_003482.4 (MANE Select); coding-DNA position 15230, T replaced by C.
Protein change: p.Leu5077Pro; replaces leucine 5077 with proline.
Molecular consequence: missense variant.
Genome position (GRCh38, 1-based): chr12:49,026,736, A>G on the plus strand (T>C on the coding strand, the complement: KMT2D is on the minus strand). VCF-style: chr12-49026736-A-G. GRCh37 (hg19) VCF-style: chr12-49420519-A-G.
Other names: short protein forms L5077P.
Identifiers: ClinVar variation 197589 (VCV000197589.13), dbSNP rs398123726, ClinGen allele CA245839.

ClinVar aggregate classification (germline): Conflicting classifications of pathogenicity. Review status: criteria provided, conflicting classifications (1 of 4 stars). 2 submissions from 2 submitters: Pathogenic (1); Uncertain significance (1). Last evaluated 2025-08-21.

Conditions:
Kabuki syndrome. Also called: NIIKAWA-KUROKI SYNDROME; Kabuki make-up syndrome. Identifiers: Orphanet 2322, MedGen C0796004, MONDO:0016512.

Submissions (2):

Labcorp Genetics (formerly Invitae), Labcorp
Classification: Pathogenic for Kabuki syndrome. Last evaluated: 2025-08-21. Review status: criteria provided, single submitter. Criteria: Invitae Variant Classification Sherloc (09022015). Collection method: clinical testing. Allele origin: germline.
Comment: This sequence change replaces leucine, which is neutral and non-polar, with proline, which is neutral and non-polar, at codon 5077 of the KMT2D protein (p.Leu5077Pro). This variant is not present in population databases (gnomAD no frequency). This missense change has been observed in individual(s) with a KMT2D-related disease and/or Kabuki syndrome (PMID: 37086329; internal data). In at least one individual the variant was observed to be de novo. ClinVar contains an entry for this variant (Variation ID: 197589). Invitae Evidence Modeling of protein sequence and biophysical properties (such as structural, functional, and spatial information, amino acid conservation, physicochemical variation, residue mobility, and thermodynamic stability) indicates that this missense variant is expected to disrupt KMT2D protein function with a positive predictive value of 95%. For these reasons, this variant has been classified as Pathogenic.

Eurofins Ntd Llc (ga)
Classification: Uncertain significance. Last evaluated: 2014-09-10. Review status: criteria provided, single submitter. Criteria: EGL Classification Definitions 2015. Collection method: clinical testing. Allele origin: germline. Observed: 1 variant allele, 1 heterozygote.

Literature cited by the submitters: PubMed 37086329 (cited by Labcorp Genetics (formerly Invitae), Labcorp).